The following is an entry in ClinVar:

ClinVar aggregate classification (germline): Uncertain significance (1 of 4 stars; one submission).

Conditions:
Progressive microcephaly-seizures-cortical blindness-developmental delay syndrome. Also called: Seizures, cortical blindness, and microcephaly syndrome. Identifiers: Orphanet 477814, MedGen C5567650, MONDO:0014714, OMIM 616632.
Autosomal dominant nonsyndromic hearing loss 1. Also called: KONIGSMARK SYNDROME; DEAFNESS, AUTOSOMAL DOMINANT 1, WITH OR WITHOUT THROMBOCYTOPENIA. Identifiers: Orphanet 90635, MedGen C1852282, MONDO:0007424, OMIM 124900.

Submission:

Labcorp Genetics (formerly Invitae), Labcorp
Classification: Uncertain significance for Progressive microcephaly-seizures-cortical blindness-developmental delay syndrome; Autosomal dominant nonsyndromic hearing loss 1. Last evaluated: 2024-10-24. Review status: criteria provided, single submitter. Criteria: Invitae Variant Classification Sherloc (09022015). Collection method: clinical testing. Allele origin: germline.
Comment: This sequence change replaces arginine, which is basic and polar, with isoleucine, which is neutral and non-polar, at codon 359 of the DIAPH1 protein (p.Arg359Ile). This variant is not present in population databases (gnomAD no frequency). This variant has not been reported in the literature in individuals affected with DIAPH1-related conditions. ClinVar contains an entry for this variant (Variation ID: 1716812). Experimental studies and prediction algorithms are not available or were not evaluated, and the functional significance of this variant is currently unknown. In summary, the available evidence is currently insufficient to determine the role of this variant in disease. Therefore, it has been classified as a Variant of Uncertain Significance.

NM_005219.5(DIAPH1):c.1076G>T (p.Arg359Ile)

Gene: DIAPH1 (diaphanous related formin 1; minus strand). Cytogenetic location: 5q31.3.
Variant type: single nucleotide variant.
Coding change: c.1076G>T on transcript NM_005219.5 (MANE Select); coding-DNA position 1076, G replaced by T.
Protein change: p.Arg359Ile; replaces arginine 359 with isoleucine.
Molecular consequence: missense variant.
Genome position (GRCh38, 1-based): chr5:141,578,312, C>A on the plus strand (G>T on the coding strand, the complement: DIAPH1 is on the minus strand). VCF-style: chr5-141578312-C-A. GRCh37 (hg19) VCF-style: chr5-140957879-C-A.
Other names: c.1049G>T, p.Arg350Ile (NM_001079812.3); c.1076G>T, p.Arg359Ile (NM_001314007.2); short protein forms R350I, R359I.
Identifiers: ClinVar variation 1716812 (VCV001716812.6), dbSNP rs2513757860, ClinGen allele CA361531595.
Genomic context (GRCh38, chr5:141,578,312, plus strand): 5'-CGTCCCTTCAGGTCATAGGAATCCTCTTCCCCTTGTTCATCAAACACATTTAGTTGCACT[C>A]TCATATCTTCATTTTCAATCTCTCGAAGGTCCTGTCAACAACAAAAGTAGAAGTCAGGGA-3'
Protein context (NP_005210.3, residues 349-369): DLREIENEDM[Arg359Ile]VQLNVFDEQG